The following is an entry in ClinVar:

ClinVar aggregate classification (germline): Benign/Likely benign. Review status: criteria provided, multiple submitters, no conflicts (2 of 4 stars). 7 submissions from 7 submitters: Benign (5); Likely benign (2). Last evaluated 2026-02-02.

Conditions:
Jeune thoracic dystrophy. Also called: Jeune syndrome; Infantile thoracic dystrophy; Thoracic pelvic phalangeal dystrophy; Jeune's syndrome; Chondroectodermal dysplasia-like syndrome; Short-rib thoracic dysplasia. Identifiers: Orphanet 474, MedGen C0265275, MONDO:0018770.
Asphyxiating thoracic dystrophy 3. Also called: SHORT-RIB THORACIC DYSPLASIA 3 WITH OR WITHOUT POLYDACTYLY; SHORT-RIB THORACIC DYSPLASIA 3/6 WITH POLYDACTYLY, DIGENIC; Short rib polydactyly syndrome 2B; POLYDACTYLY WITH NEONATAL CHONDRODYSTROPHY, TYPE I; Saldino-Noonan Syndrome. Identifiers: Orphanet 474, Orphanet 93269, Orphanet 93270, Orphanet 93271, MedGen C0036069, MONDO:0013127, OMIM 613091.

Allele frequency attached by ClinVar (database versions not stated): gnomAD exomes 0.00103 and 0.00252; ExAC 0.00298; gnomAD 0.01037 and 0.01103; ESP Exome Variant Server 0.01112; TOPMed 0.01167; 1000 Genomes Project 30x 0.01202; 1000 Genomes Project 0.01278.
gnomAD v4.1: 3,176 of 1,609,222 alleles (0.2%); highest among the groups gnomAD compares: African/African-American, 3.7%; 48 homozygotes.

Submissions (7):

Labcorp Genetics (formerly Invitae), Labcorp
Classification: Benign for Jeune thoracic dystrophy. Last evaluated: 2026-02-02. Review status: criteria provided, single submitter. Criteria: Invitae Variant Classification Sherloc (09022015). Collection method: clinical testing. Allele origin: germline.

ARUP Laboratories, Molecular Genetics and Genomics, ARUP Laboratories
Classification: Benign for Asphyxiating thoracic dystrophy 3. Last evaluated: 2025-06-20. Review status: criteria provided, single submitter. Criteria: ARUP Molecular Germline Variant Investigation Process 2024. Collection method: clinical testing. Allele origin: germline.

Fulgent Genetics
Classification: Likely benign for Asphyxiating thoracic dystrophy 3. Last evaluated: 2021-10-13. Review status: criteria provided, single submitter. Criteria: ACMG Guidelines, 2015. Collection method: clinical testing. Allele origin: unknown.

Illumina Laboratory Services, Illumina
Classification: Benign for Asphyxiating thoracic dystrophy 3. Last evaluated: 2018-01-13. Review status: criteria provided, single submitter. Criteria: ICSL Variant Classification Criteria 13 December 2019. Collection method: clinical testing. Allele origin: germline.
Comment: This variant was observed in the ICSL laboratory as part of a predisposition screen in an ostensibly healthy population. It had not been previously curated by ICSL or reported in the Human Gene Mutation Database (HGMD: prior to June 1st, 2018), and was therefore a candidate for classification through an automated scoring system. Utilizing variant allele frequency, disease prevalence and penetrance estimates, and inheritance mode, an automated score was calculated to assess if this variant is too frequent to cause the disease. Based on the score and internal cut-off values, a variant classified as benign is not then subjected to further curation. The score for this variant resulted in a classification of benign for this disease.

GeneDx
Classification: Benign. Last evaluated: 2016-09-14. Review status: criteria provided, single submitter. Criteria: GeneDx Variant Classification (06012015). Collection method: clinical testing. Allele origin: germline. Affected: yes.
Comment: This variant is considered likely benign or benign based on one or more of the following criteria: it is a conservative change, it occurs at a poorly conserved position in the protein, it is predicted to be benign by multiple in silico algorithms, and/or has population frequency not consistent with disease.

Eurofins Ntd Llc (ga)
Classification: Benign. Last evaluated: 2015-11-09. Review status: criteria provided, single submitter. Criteria: EGL Classification Definitions 2015. Collection method: clinical testing. Allele origin: germline. Observed: 1 variant allele, 1 heterozygote.

Breakthrough Genomics
Classification: Likely benign. Review status: criteria provided, single submitter. Criteria: ACMG Guidelines, 2015. Collection method: not provided. Allele origin: germline. Inheritance: Autosomal recessive inheritance. Affected: yes.

NM_001377.3(DYNC2H1):c.6478-6C>T

Gene: DYNC2H1 (dynein cytoplasmic 2 heavy chain 1; plus strand). Cytogenetic location: 11q22.3.
Variant type: single nucleotide variant.
Coding change: c.6478-6C>T on transcript NM_001377.3 (MANE Select); 6 bases into the intron before coding-DNA position 6478, C replaced by T.
Molecular consequence: intron variant.
Genome position (GRCh38, 1-based): chr11:103,184,890, C>T. VCF-style: chr11-103184890-C-T. GRCh37 (hg19) VCF-style: chr11-103055619-C-T.
Other names: c.6478-6C>T (NM_001080463.2).
Identifiers: ClinVar variation 284736 (VCV000284736.34), dbSNP rs114254215, ClinGen allele CA6253987.
Genomic context (GRCh38, chr11:103,184,890, plus strand): 5'-ATGGTTCTATGTTTACTGGTTAATAGTTGCCTTTTGTCTGTTTGTATCACGGATTTTAAT[C>T]AACAGAATGACTATGTGGTAGAAACAAGTTTGGTTGGGACTGTGATGAATGGTTTGTCAC-3'